The following is an entry in ClinVar:

NM_000257.4(MYH7):c.1341G>A (p.Leu447=)

Gene: MYH7 (myosin heavy chain 7; minus strand). Cytogenetic location: 14q11.2.
Variant type: single nucleotide variant.
Coding change: c.1341G>A on transcript NM_000257.4 (MANE Select); coding-DNA position 1341, G replaced by A.
Protein change: p.Leu447=; no amino-acid change (leucine 447 retained).
Molecular consequence: synonymous variant.
Genome position (GRCh38, 1-based): chr14:23,429,021, C>T on the plus strand (G>A on the coding strand, the complement: MYH7 is on the minus strand). VCF-style: chr14-23429021-C-T. GRCh37 (hg19) VCF-style: chr14-23898230-C-T.
Identifiers: ClinVar variation 656517 (VCV000656517.14), dbSNP rs1322172502, ClinGen allele CA485625018.

ClinVar aggregate classification (germline): Likely benign. Review status: criteria provided, multiple submitters, no conflicts (2 of 4 stars). 4 submissions from 4 submitters: Likely benign (4). Last evaluated 2025-12-15.

Conditions:
Cardiomyopathy (CMYO). Also called: Cardiomyopathies. Identifiers: Orphanet 167848, MedGen C0878544, MONDO:0004994, HP:0001638. Inheritance: Various modes of inheritance.
Hypertrophic cardiomyopathy. Also called: HYPERTROPHIC MYOCARDIOPATHY. Identifiers: Orphanet 217569, MedGen C0007194, MeSH D002312, MONDO:0005045, HP:0001639.
Cardiovascular phenotype. Identifiers: MedGen CN230736.

Allele frequency attached by ClinVar (database versions not stated): gnomAD exomes 0.00001; TOPMed 0.00002; gnomAD 0.00003 and 0.00004.

Submissions (4):

Labcorp Genetics (formerly Invitae), Labcorp
Classification: Likely benign for Hypertrophic cardiomyopathy. Last evaluated: 2025-12-15. Review status: criteria provided, single submitter. Criteria: Invitae Variant Classification Sherloc (09022015). Collection method: clinical testing. Allele origin: germline.

All of Us Research Program, National Institutes of Health
Classification: Likely benign for Cardiomyopathy. Last evaluated: 2024-05-14. Review status: criteria provided, single submitter. Criteria: ACMG Guidelines, 2015. Collection method: clinical testing. Allele origin: germline. Inheritance: Autosomal dominant inheritance. Observed: 4 variant alleles, 4 heterozygotes.
Comment: This study involves interpretation of variants in research participants for the purpose of population health screening. Participant phenotype was not available at the time of variant classification. Additional details can be found in publication PMID: 35346344, PMCID: PMC8962531

Ambry Genetics
Classification: Likely benign for Cardiovascular phenotype. Last evaluated: 2022-05-27. Review status: criteria provided, single submitter. Criteria: Ambry Variant Classification Scheme 2023. Collection method: clinical testing. Allele origin: germline.

Color Diagnostics, LLC DBA Color Health
Classification: Likely benign for Cardiomyopathy. Last evaluated: 2018-11-25. Review status: criteria provided, single submitter. Criteria: ACMG Guidelines, 2015. Collection method: clinical testing. Allele origin: germline.